The following is an entry in ClinVar:

ClinVar aggregate classification (germline): Uncertain significance (1 of 4 stars; one submission).

Conditions:
Familial thoracic aortic aneurysm and aortic dissection (TAAD). Also called: Thoracic aortic aneurysms and dissections. Identifiers: Orphanet 91387, MedGen C4707243, MONDO:0019625.

Submission:

Ambry Genetics
Classification: Uncertain significance for Familial thoracic aortic aneurysm and aortic dissection. Last evaluated: 2023-06-22. Review status: criteria provided, single submitter. Criteria: Ambry Variant Classification Scheme 2023. Collection method: clinical testing. Allele origin: germline.
Comment: The p.H216R variant (also known as c.647A>G), located in coding exon 5 of the SMAD3 gene, results from an A to G substitution at nucleotide position 647. The histidine at codon 216 is replaced by arginine, an amino acid with highly similar properties. This amino acid position is conserved. In addition, the in silico prediction for this alteration is inconclusive. Since supporting evidence is limited at this time, the clinical significance of this alteration remains unclear.

NM_005902.4(SMAD3):c.647A>G (p.His216Arg)

Gene: SMAD3 (SMAD family member 3; plus strand). Cytogenetic location: 15q22.33.
Variant type: single nucleotide variant.
Coding change: c.647A>G on transcript NM_005902.4 (MANE Select); coding-DNA position 647, A replaced by G.
Protein change: p.His216Arg; replaces histidine 216 with arginine.
Molecular consequence: missense variant.
Genome position (GRCh38, 1-based): chr15:67,170,593, A>G. VCF-style: chr15-67170593-A-G. GRCh37 (hg19) VCF-style: chr15-67462931-A-G.
Other names: c.332A>G, p.His111Arg (NM_001145102.2, NM_001407016.1); c.515A>G, p.His172Arg (NM_001145103.2, NM_001407012.1); c.62A>G, p.His21Arg (NM_001145104.2, NM_001407017.1); c.647A>G, p.His216Arg (NM_001407011.1, NM_001407013.1); c.500A>G, p.His167Arg (NM_001407014.1); c.200A>G, p.His67Arg (NM_001407015.1); short protein forms H167R, H216R, H67R, H111R, H172R, H21R.
Identifiers: ClinVar variation 2586820 (VCV002586820.2), dbSNP rs2505240088, ClinGen allele CA392955064.